The following is an entry in ClinVar:

ClinVar aggregate classification (germline): Benign. Review status: criteria provided, multiple submitters, no conflicts (2 of 4 stars). 2 submissions from 2 submitters: Benign (2). Last evaluated 2018-06-16.

Allele frequency attached by ClinVar (database versions not stated): ESP Exome Variant Server 0.00123; gnomAD 0.00212 and 0.00274; gnomAD exomes 0.00217 and 0.00512; TOPMed 0.00286; ExAC 0.00464; 1000 Genomes Project 30x 0.01140; 1000 Genomes Project 0.01218.
gnomAD v4.1: 2,824 of 1,224,850 alleles (0.23%); highest among the groups gnomAD compares: East Asian, 4.9%; 73 homozygotes.

Submissions (2):

GeneDx
Classification: Benign. Last evaluated: 2018-06-16. Review status: criteria provided, single submitter. Criteria: GeneDx Variant Classification (06012015). Collection method: clinical testing. Allele origin: germline. Affected: yes.
Comment: This variant is considered likely benign or benign based on one or more of the following criteria: it is a conservative change, it occurs at a poorly conserved position in the protein, it is predicted to be benign by multiple in silico algorithms, and/or has population frequency not consistent with disease.

Breakthrough Genomics
Classification: Benign. Review status: criteria provided, single submitter. Criteria: ACMG Guidelines, 2015. Collection method: not provided. Allele origin: germline. Inheritance: Unknown mechanism. Affected: yes.

NM_006393.3(NEBL):c.154-49A>T

Gene: NEBL (nebulette; minus strand). Cytogenetic location: 10p12.31.
Variant type: single nucleotide variant.
Coding change: c.154-49A>T on transcript NM_006393.3 (MANE Select); 49 bases into the intron before coding-DNA position 154, A replaced by T.
Molecular consequence: intron variant.
Genome position (GRCh38, 1-based): chr10:20,889,998, T>A on the plus strand (A>T on the coding strand, the complement: NEBL is on the minus strand). VCF-style: chr10-20889998-T-A. GRCh37 (hg19) VCF-style: chr10-21178927-T-A.
Other names: c.249+71674A>T (NM_001377326.1, NM_001377327.1, NM_001377328.1); c.357+71674A>T (NM_213569.2, NM_001173484.2, NM_001377322.1); c.300+71674A>T (NM_001377324.1); c.291+71674A>T (NM_001377325.1); c.309+71674A>T (NM_001377323.1).
Identifiers: ClinVar variation 675800 (VCV000675800.2), dbSNP rs77136151, ClinGen allele CA5433353.